The following is an entry in ClinVar:

ClinVar aggregate classification (germline): Uncertain significance (1 of 4 stars; one submission).

Conditions:
Megaconial type congenital muscular dystrophy (MDCMC). Also called: CHKB-Related Muscular Dystrophy; CHKB-Related Muscle Diseases; MUSCULAR DYSTROPHY, CONGENITAL, WITH MITOCHONDRIAL STRUCTURAL ABNORMALITIES. Identifiers: Orphanet 280671, MedGen C1865233, MONDO:0011246, OMIM 602541.

Allele frequency attached by ClinVar (database versions not stated): gnomAD exomes below 0.00001.

Submission:

Labcorp Genetics (formerly Invitae), Labcorp
Classification: Uncertain significance for Megaconial type congenital muscular dystrophy. Last evaluated: 2025-10-02. Review status: criteria provided, single submitter. Criteria: Invitae Variant Classification Sherloc (09022015). Collection method: clinical testing. Allele origin: germline.
Comment: This sequence change replaces serine, which is neutral and polar, with phenylalanine, which is neutral and non-polar, at codon 362 of the CHKB protein (p.Ser362Phe). This variant is not present in population databases (gnomAD no frequency). This variant has not been reported in the literature in individuals affected with CHKB-related conditions. ClinVar contains an entry for this variant (Variation ID: 645296). Invitae Evidence Modeling of protein sequence and biophysical properties (such as structural, functional, and spatial information, amino acid conservation, physicochemical variation, residue mobility, and thermodynamic stability) indicates that this missense variant is not expected to disrupt CHKB protein function with a negative predictive value of 80%. In summary, the available evidence is currently insufficient to determine the role of this variant in disease. Therefore, it has been classified as a Variant of Uncertain Significance.

NM_005198.5(CHKB):c.1085C>T (p.Ser362Phe)

Genes: CHKB (choline kinase beta; minus strand), CHKB-CPT1B (CHKB-CPT1B readthrough (NMD candidate); minus strand). Cytogenetic location: 22q13.33.
Variant type: single nucleotide variant.
Coding change: c.1085C>T on transcript NM_005198.5 (MANE Select); coding-DNA position 1085, C replaced by T.
Protein change: p.Ser362Phe; replaces serine 362 with phenylalanine.
Molecular consequence: missense variant. On other transcripts: non-coding transcript variant (1).
Genome position (GRCh38, 1-based): chr22:50,579,454, G>A on the plus strand (C>T on the coding strand, the complement: CHKB is on the minus strand). VCF-style: chr22-50579454-G-A. GRCh37 (hg19) VCF-style: chr22-51017883-G-A.
Other names: short protein forms S362F.
Identifiers: ClinVar variation 645296 (VCV000645296.8), dbSNP rs766753256, ClinGen allele CA325537013.